The following is an entry in ClinVar:

ClinVar aggregate classification (germline): Uncertain significance (1 of 4 stars; one submission).

Conditions:
Hereditary cancer-predisposing syndrome. Also called: Neoplastic Syndromes, Hereditary; Tumor predisposition; Hereditary Cancer Syndrome; Hereditary neoplastic syndrome. Identifiers: Orphanet 140162, MedGen C0027672, MeSH D009386, MONDO:0015356.

Submission:

Ambry Genetics
Classification: Uncertain significance for Hereditary cancer-predisposing syndrome. Last evaluated: 2021-01-25. Review status: criteria provided, single submitter. Criteria: Ambry Variant Classification Scheme 2023. Collection method: clinical testing. Allele origin: germline.
Comment: The c.209_211dupTCT variant (also known as p.F70dup), located in coding exon 2 of the BARD1 gene, results from an in-frame duplication of TCT at nucleotide positions 209 to 211. This results in the duplication of an extra residue between codons 70 and 71. This amino acid position is highly conserved in available vertebrate species. In addition, this alteration is predicted to be deleterious by in silico analysis (Choi Y et al. PLoS ONE. 2012; 7(10):e46688). Since supporting evidence is limited at this time, the clinical significance of this alteration remains unclear.

NM_000465.4(BARD1):c.206TCT[3] (p.Phe70_Cys71insPhe)

Gene: BARD1 (BRCA1 associated RING domain 1; minus strand). Cytogenetic location: 2q35.
Variant type: Microsatellite.
Coding change: c.206TCT[3] on transcript NM_000465.4 (MANE Select); three copies in a row of the 3-base unit TCT starting at c.206; the reference has two copies in a row; one copy, 3 bases duplicated.
Protein change: p.Phe70_Cys71insPhe.
Molecular consequence: inframe insertion. On other transcripts: non-coding transcript variant (2), intron variant (2).
Genome position (GRCh38, 1-based): chr2:214,797,065-214,797,067, AGA duplicated on the plus strand (TCT on the coding strand, the reverse complement: BARD1 is on the minus strand); duplicating any 3 consecutive bases within chr2:214,797,065-214,797,070 gives the same sequence; the position shown is the placement nearest the transcript's 3' end. VCF-style (leftmost placement, unchanged base first): chr2-214797064-C-CAGA. GRCh37 (hg19) VCF-style: chr2-215661788-C-CAGA.
Other names: c.206TCT[3], p.Phe70_Cys71insPhe (NM_001282545.2, NM_001282549.2); c.158+12342TCT[3] (NM_001282548.2); c.159-4625TCT[3] (NM_001282543.2).
Identifiers: ClinVar variation 1785726 (VCV001785726.2), dbSNP rs1060501268, ClinGen allele CA2580616676.
Genomic context (GRCh38, chr2:214,797,064, plus strand): 5'-ATTGTTATCTAGTAAAAAATACAGTTGTACTATATACATCAAACCGTAATTACTTACCTA[C>CAGA]AGAAGATGTGCTCACATCCTCCTAAACACACAGGCTCTCTCAGAATGTTAGTACTGTTTG-3'